The following is an entry in ClinVar:

NM_000540.3(RYR1):c.5555G>C (p.Gly1852Ala)

Gene: RYR1 (ryanodine receptor 1; plus strand). Cytogenetic location: 19q13.2.
Variant type: single nucleotide variant.
Coding change: c.5555G>C on transcript NM_000540.3 (MANE Select); coding-DNA position 5555, G replaced by C.
Protein change: p.Gly1852Ala; replaces glycine 1852 with alanine.
Molecular consequence: missense variant.
Genome position (GRCh38, 1-based): chr19:38,489,184, G>C. VCF-style: chr19-38489184-G-C. GRCh37 (hg19) VCF-style: chr19-38979824-G-C.
Other names: c.5555G>C, p.Gly1852Ala (NM_001042723.2); short protein forms G1852A.
Identifiers: ClinVar variation 4756577 (VCV004756577.1).

ClinVar aggregate classification (germline): Uncertain significance (1 of 4 stars; one submission).

Conditions:
Malignant hyperthermia, susceptibility to, 1 (MHS1). Also called: RYR1-Related Malignant Hyperthermia Susceptibility; Malignant hyperthermia suceptibility 1; Anesthesia related hyperthermia; Malignant hyperpyrexia; Fulminating hyperpyrexia; Pharmacogenic myopathy. Identifiers: Orphanet 423, MedGen C2930980, MONDO:0007783, OMIM 145600.

gnomAD v4.1: 4 of 1,614,130 alleles (0.00025%); highest among the groups gnomAD compares: Non-Finnish European, 0.00034%; no homozygotes.

Submission:

Color Diagnostics, LLC DBA Color Health
Classification: Uncertain significance for Malignant hyperthermia, susceptibility to, 1. Last evaluated: 2025-09-18. Review status: criteria provided, single submitter. Criteria: ACMG Guidelines, 2015. Collection method: clinical testing. Allele origin: germline.
Comment: This missense variant replaces glycine with alanine at codon 1852 of the RYR1 protein. Computational prediction suggests that this variant may have deleterious impact on protein structure and function. To our knowledge, functional studies have not been reported for this variant. This variant has not been reported in individuals affected with RYR1-related disorders in the literature. This variant has not been identified in the general population by the Genome Aggregation Database (gnomAD). The available evidence is insufficient to determine the role of this variant in disease conclusively. Therefore, this variant is classified as a Variant of Uncertain Significance.